The following is an entry in ClinVar:

ClinVar aggregate classification (germline): Uncertain significance (1 of 4 stars; one submission).

gnomAD v4.1: 2 of 1,613,492 alleles (0.00012%); highest among the groups gnomAD compares: Non-Finnish European, 0.00017%; no homozygotes.

Submission:

GeneDx
Classification: Uncertain significance. Last evaluated: 2024-03-11. Review status: criteria provided, single submitter. Criteria: GeneDx Variant Classification Process June 2021. Collection method: clinical testing. Allele origin: germline. Affected: yes.
Comment: Not observed at significant frequency in large population cohorts (gnomAD); In silico analysis supports that this missense variant does not alter protein structure/function; Has not been previously published as pathogenic or benign to our knowledge

NM_004369.4(COL6A3):c.7360G>T (p.Val2454Leu)

Gene: COL6A3 (collagen type VI alpha 3 chain; minus strand). Cytogenetic location: 2q37.3.
Variant type: single nucleotide variant.
Coding change: c.7360G>T on transcript NM_004369.4 (MANE Select); coding-DNA position 7360, G replaced by T.
Protein change: p.Val2454Leu; replaces valine 2454 with leucine.
Molecular consequence: missense variant.
Genome position (GRCh38, 1-based): chr2:237,344,658, C>A on the plus strand (G>T on the coding strand, the complement: COL6A3 is on the minus strand). VCF-style: chr2-237344658-C-A. GRCh37 (hg19) VCF-style: chr2-238253301-C-A.
Other names: c.5539G>T, p.Val1847Leu (NM_057166.5); c.6742G>T, p.Val2248Leu (NM_057167.4); short protein forms V1847L, V2248L, V2454L.
Identifiers: ClinVar variation 3370525 (VCV003370525.1).
Genomic context (GRCh38, chr2:237,344,658, plus strand): 5'-TAATCTTGTCCAGGAGGACCGACTTCCTCTTGGAGTCAGCAAACCGGATCTCCGTGGTCA[C>A]CTCGTTGTTGTAGGTGACCACAGCCACCCGGGCCCCCCGTGGGCAGTTGCTCTCAGCAAT-3'
Protein context (NP_004360.2, residues 2444-2464): RVAVVTYNNE[Val2454Leu]TTEIRFADSK